The following is an entry in ClinVar:

ClinVar aggregate classification (germline): Benign/Likely benign. Review status: criteria provided, multiple submitters, no conflicts (2 of 4 stars). 4 submissions from 4 submitters: Benign (2); Likely benign (2). Last evaluated 2026-01-28.

Conditions:
Osteogenesis imperfecta type 9 (OI9). Also called: Oi type IX; OI 9; Osteogenesis imperfecta sillence type II/III without abnormality of type I collagen. Identifiers: MedGen C1850169, MONDO:0009805, OMIM 259440.

Allele frequency attached by ClinVar (database versions not stated): ExAC 0.00140; 1000 Genomes Project 30x 0.00328; 1000 Genomes Project 0.00359; gnomAD 0.00448 and 0.00489; ESP Exome Variant Server 0.00492; TOPMed 0.00530.
gnomAD v4.1: 1,393 of 1,564,318 alleles (0.089%); highest among the groups gnomAD compares: African/African-American, 1.6%; 10 homozygotes.

Submissions (8):

Labcorp Genetics (formerly Invitae), Labcorp
Classification: Benign. Last evaluated: 2026-01-28. Review status: criteria provided, single submitter. Criteria: Invitae Variant Classification Sherloc (09022015). Collection method: clinical testing. Allele origin: germline.

ARUP Laboratories, Molecular Genetics and Genomics, ARUP Laboratories
Classification: Benign for Osteogenesis imperfecta type 9. Last evaluated: 2024-12-20. Review status: criteria provided, single submitter. Criteria: ARUP Molecular Germline Variant Investigation Process 2024. Collection method: clinical testing. Allele origin: germline.

Blueprint Genetics
Classification: Likely benign. Last evaluated: 2024-09-09. Review status: criteria provided, single submitter. Criteria: ACMG Guidelines, 2015. Collection method: clinical testing. Allele origin: germline.

GeneDx
Classification: Likely benign. Last evaluated: 2016-10-10. Review status: criteria provided, single submitter. Criteria: GeneDx Variant Classification (06012015). Collection method: clinical testing. Allele origin: germline. Affected: yes.
Comment: This variant is considered likely benign or benign based on one or more of the following criteria: it is a conservative change, it occurs at a poorly conserved position in the protein, it is predicted to be benign by multiple in silico algorithms, and/or has population frequency not consistent with disease.

Dr. Peter K. Rogan Lab, Western University
No classification provided (evidence only). Condition: Lung cancer. Review status: no classification provided. Collection method: in vitro. Allele origin: not applicable. Functional consequence: retained intron. Not counted in ClinVar's aggregate classification.

Dr. Peter K. Rogan Lab, Western University
No classification provided (evidence only). Condition: Uterine corpus endometrial carcinoma. Review status: no classification provided. Collection method: in vitro. Allele origin: not applicable. Functional consequence: retained intron. Not counted in ClinVar's aggregate classification.

Dr. Peter K. Rogan Lab, Western University
No classification provided (evidence only). Condition: Uterine corpus endometrial carcinoma. Review status: no classification provided. Collection method: in vitro. Allele origin: not applicable. Functional consequence: skipped exon, retained intron. Not counted in ClinVar's aggregate classification.

Dr. Peter K. Rogan Lab, Western University
No classification provided (evidence only). Condition: Malignant tumor of esophagus. Review status: no classification provided. Collection method: in vitro. Allele origin: not applicable. Functional consequence: retained intron. Not counted in ClinVar's aggregate classification.

NM_000942.5(PPIB):c.249+19G>T

Gene: PPIB (peptidylprolyl isomerase B; minus strand). Cytogenetic location: 15q22.31.
Variant type: single nucleotide variant.
Coding change: c.249+19G>T on transcript NM_000942.5 (MANE Select); 19 bases into the intron after coding-DNA position 249, G replaced by T.
Molecular consequence: intron variant.
Genome position (GRCh38, 1-based): chr15:64,162,022, C>A on the plus strand (G>T on the coding strand, the complement: PPIB is on the minus strand). VCF-style: chr15-64162022-C-A. GRCh37 (hg19) VCF-style: chr15-64454221-C-A.
Identifiers: ClinVar variation 380475 (VCV000380475.15), dbSNP rs150590633, ClinGen allele CA7608556.
Genomic context (GRCh38, chr15:64,162,022, plus strand): 5'-CTCTGCAGGTCAGTTTGCTGCCATCCCCAGTGCCAATTTCACTTCATGTGAGTTGACTAC[C>A]CCTGCTCCAGCCACTTACCTCTCCTGTAGCTAAGGCCACAAAATTATCCACTGTTTTTGG-3'